The following is an entry in ClinVar:

NM_152672.6(SLC51A):c.586C>G (p.Leu196Val)

Gene: SLC51A (solute carrier family 51 member A; plus strand). Cytogenetic location: 3q29.
Variant type: single nucleotide variant.
Coding change: c.586C>G on transcript NM_152672.6 (MANE Select); coding-DNA position 586, C replaced by G.
Protein change: p.Leu196Val; replaces leucine 196 with valine.
Molecular consequence: missense variant.
Genome position (GRCh38, 1-based): chr3:196,228,873, C>G. VCF-style: chr3-196228873-C-G. GRCh37 (hg19) VCF-style: chr3-195955744-C-G.
Other names: short protein forms L196V.
Identifiers: ClinVar variation 2350281 (VCV002350281.4), dbSNP rs145114474, ClinGen allele CA2779143.
Genomic context (GRCh38, chr3:196,228,873, plus strand): 5'-AAGCTTCAGCTGCTGATGTTGGGCCCTTTCCAATACGCCTTCTTGAAGATAACGCTGACC[C>G]TGGTGGGCCTGTTTCTCGTCCCCGACGGCATCTATGACCCAGCAGACGTAAGCCGGGAGT-3'
Protein context (NP_689885.4, residues 186-206): QYAFLKITLT[Leu196Val]VGLFLVPDGI

ClinVar aggregate classification (germline): Uncertain significance. Review status: criteria provided, multiple submitters, no conflicts (2 of 4 stars). 2 submissions from 2 submitters: Uncertain significance (2). Last evaluated 2025-11-20.

Conditions:
SLC51A-related disorder. Also called: SLC51A-related condition.

Allele frequency attached by ClinVar (database versions not stated): gnomAD 0.00005; ExAC 0.00006; TOPMed 0.00006; gnomAD exomes 0.00010; ESP Exome Variant Server 0.00038.
gnomAD v4.1: 157 of 1,614,070 alleles (0.0097%); highest among the groups gnomAD compares: Non-Finnish European, 0.012%; no homozygotes.

Submissions (2):

Ambry Genetics
Classification: Uncertain significance. Last evaluated: 2025-11-20. Review status: criteria provided, single submitter. Criteria: Ambry Variant Classification Scheme 2023. Collection method: clinical testing. Allele origin: germline.

PreventionGenetics, part of Exact Sciences
Classification: Uncertain significance for SLC51A-related condition. Last evaluated: 2025-06-13. Review status: criteria provided, single submitter. Criteria: ACMG Guidelines, 2015. Collection method: clinical testing. Allele origin: germline.
Comment: The SLC51A c.586C>G variant is predicted to result in the amino acid substitution p.Leu196Val. To our knowledge, this variant has not been reported in the literature. This variant is reported in 0.012% of alleles in individuals of African descent in gnomAD. At this time, the clinical significance of this variant is uncertain due to the absence of conclusive functional and genetic evidence.